The following is an entry in ClinVar:

ClinVar aggregate classification (germline): Uncertain significance (1 of 4 stars; one submission).

Conditions:
Hereditary cancer-predisposing syndrome. Also called: Hereditary Cancer Syndrome; Hereditary neoplastic syndrome; Neoplastic Syndromes, Hereditary; Tumor predisposition. Identifiers: Orphanet 140162, MedGen C0027672, MeSH D009386, MONDO:0015356.

Allele frequency attached by ClinVar (database versions not stated): 1000 Genomes Project 30x 0.00031; 1000 Genomes Project 0.00040.
gnomAD v4.1: 11 of 1,606,756 alleles (0.00068%); highest among the groups gnomAD compares: Middle Eastern, 0.017%; no homozygotes.

Submission:

Sema4
Classification: Uncertain significance for Hereditary cancer-predisposing syndrome. Last evaluated: 2021-11-01. Review status: criteria provided, single submitter. Criteria: Sema4 Curation Guidelines. Collection method: curation. Allele origin: germline.
Comment: The VHL c.341-62G>T variant has not been reported in the literature to our knowledge. It was not observed in the large and broad cohorts of the Genome Aggregation Database (PMID: 32461654 ), and has not been reported in ClinVar. Functional studies have not been performed, and in silico predictions of the variant's effect on protein function are inconclusive. The evidence is insufficient to meet ACMG/AMP criteria for classifying the variant as benign or pathogenic. Thus, the clinical significance of this variant is currently uncertain.

NM_000551.4(VHL):c.341-62G>T

Genes: VHL (von Hippel-Lindau tumor suppressor; plus strand), LOC107303340 (3p25 von Hippel-Lindau tumor suppressor, E3 ubiquitin protein ligase Alu-mediated recombination region; plus strand). Cytogenetic location: 3p25.3.
Variant type: single nucleotide variant.
Coding change: c.341-62G>T on transcript NM_000551.4 (MANE Select); 62 bases into the intron before coding-DNA position 341, G replaced by T.
Molecular consequence: intron variant.
Genome position (GRCh38, 1-based): chr3:10,146,452, G>T. VCF-style: chr3-10146452-G-T. GRCh37 (hg19) VCF-style: chr3-10188136-G-T.
Other names: c.*18-3335G>T (NM_001354723.2); c.341-3335G>T (NM_198156.3).
Identifiers: ClinVar variation 1692522 (VCV001692522.1), dbSNP rs181985090, ClinGen allele CA70049302.